The following is an entry in ClinVar:

NM_080680.3(COL11A2):c.3924C>T (p.Thr1308=)

Gene: COL11A2 (collagen type XI alpha 2 chain; minus strand). Cytogenetic location: 6p21.32.
Variant type: single nucleotide variant.
Coding change: c.3924C>T on transcript NM_080680.3 (MANE Select); coding-DNA position 3924, C replaced by T.
Protein change: p.Thr1308=; no amino-acid change (threonine 1308 retained).
Molecular consequence: synonymous variant.
Genome position (GRCh38, 1-based): chr6:33,168,555, G>A on the plus strand (C>T on the coding strand, the complement: COL11A2 is on the minus strand). VCF-style: chr6-33168555-G-A. GRCh37 (hg19) VCF-style: chr6-33136332-G-A.
Other names: c.3603C>T, p.Thr1201= (NM_080679.3); c.3666C>T, p.Thr1222= (NM_080681.3).
Identifiers: ClinVar variation 1618490 (VCV001618490.28), dbSNP rs753324728, ClinGen allele CA3750305.
Genomic context (GRCh38, chr6:33,168,555, plus strand): 5'-GTCTCAGGGGTCCACCTCACTTACTCGCTTTCCAAGTGGCCCTGGGGGTCCATTCTCCCC[G>A]GTGGGACCAGGGGATCCCTAGGGAGAGAGGAATTGGGGTGGCTGAGTGTTTATCCTCCAG-3'
Protein context (NP_542411.2, residues 1298-1318): EPGQPGSPGP[Thr1308=]GENGPPGPLG

ClinVar aggregate classification (germline): Likely benign. Review status: criteria provided, multiple submitters, no conflicts (2 of 4 stars). 3 submissions from 3 submitters: Likely benign (3). Last evaluated 2026-01-04.

Allele frequency attached by ClinVar (database versions not stated): gnomAD 0.00001; ExAC 0.00004.
gnomAD v4.1: 22 of 1,613,554 alleles (0.0014%); highest among the groups gnomAD compares: South Asian, 0.0044%; no homozygotes.

Submissions (3):

Labcorp Genetics (formerly Invitae), Labcorp
Classification: Likely benign. Last evaluated: 2026-01-04. Review status: criteria provided, single submitter. Criteria: Invitae Variant Classification Sherloc (09022015). Collection method: clinical testing. Allele origin: germline.

Blueprint Genetics
Classification: Likely benign. Last evaluated: 2024-11-15. Review status: criteria provided, single submitter. Criteria: ACMG Guidelines, 2015. Collection method: clinical testing. Allele origin: germline.

CeGaT Center for Human Genetics Tuebingen
Classification: Likely benign. Last evaluated: 2024-05-01. Review status: criteria provided, single submitter. Criteria: CeGaT Center For Human Genetics Tuebingen Variant Classification Criteria Version 2. Collection method: clinical testing. Allele origin: germline. Affected: yes. Observed: 1 variant allele.
Comment: COL11A2: BP4, BP7